The following is an entry in ClinVar:

NM_000254.3(MTR):c.2196+5G>A

Gene: MTR (5-methyltetrahydrofolate-homocysteine methyltransferase; plus strand). Cytogenetic location: 1q43.
Variant type: single nucleotide variant.
Coding change: c.2196+5G>A on transcript NM_000254.3 (MANE Select); 5 bases into the intron after coding-DNA position 2196, G replaced by A.
Molecular consequence: intron variant.
Genome position (GRCh38, 1-based): chr1:236,861,282, G>A. VCF-style: chr1-236861282-G-A. GRCh37 (hg19) VCF-style: chr1-237024582-G-A.
Other names: c.2044-954G>A (NM_001291939.1); c.975+5G>A (NM_001291940.2).
Identifiers: ClinVar variation 1515582 (VCV001515582.6), dbSNP rs2103301889, ClinGen allele CA2573132820.

ClinVar aggregate classification (germline): Uncertain significance (1 of 4 stars; one submission).

Conditions:
Methylcobalamin deficiency type cblG (HMAG). Also called: HOMOCYSTINURIA-MEGALOBLASTIC ANEMIA, cblG COMPLEMENTATION TYPE; HOMOCYSTINURIA-MEGALOBLASTIC ANEMIA DUE TO DEFECT IN COBALAMIN METABOLISM, cblG COMPLEMENTATION TYPE; Functional methionine synthase deficiency type cblG; HOMOCYSTINURIA-MEGALOBLASTIC ANEMIA, cblG TYPE. Identifiers: Orphanet 2170, Orphanet 622, MedGen C1855128, MONDO:0009609, OMIM 250940.

Submission:

Labcorp Genetics (formerly Invitae), Labcorp
Classification: Uncertain significance for Methylcobalamin deficiency type cblG. Last evaluated: 2021-03-10. Review status: criteria provided, single submitter. Criteria: Invitae Variant Classification Sherloc (09022015). Collection method: clinical testing. Allele origin: germline.
Comment: This sequence change falls in intron 20 of the MTR gene. It does not directly change the encoded amino acid sequence of the MTR protein. It affects a nucleotide within the consensus splice site of the intron. This variant is not present in population databases (ExAC no frequency). This variant has not been reported in the literature in individuals with MTR-related conditions. Nucleotide substitutions within the consensus splice site are a relatively common cause of aberrant splicing (PMID: 17576681, 9536098). Algorithms developed to predict the effect of sequence changes on RNA splicing suggest that this variant may disrupt the consensus splice site, but this prediction has not been confirmed by published transcriptional studies. In summary, the available evidence is currently insufficient to determine the role of this variant in disease. Therefore, it has been classified as a Variant of Uncertain Significance.

Literature cited by the submitters: PubMed 17576681; PubMed 9536098.